The following is an entry in ClinVar:

NM_138413.4(HOGA1):c.770G>A (p.Cys257Tyr)

Gene: HOGA1 (4-hydroxy-2-oxoglutarate aldolase 1; plus strand). Cytogenetic location: 10q24.2.
Variant type: single nucleotide variant.
Coding change: c.770G>A on transcript NM_138413.4 (MANE Select); coding-DNA position 770, G replaced by A.
Protein change: p.Cys257Tyr; replaces cysteine 257 with tyrosine.
Molecular consequence: missense variant.
Genome position (GRCh38, 1-based): chr10:97,601,926, G>A. VCF-style: chr10-97601926-G-A. GRCh37 (hg19) VCF-style: chr10-99361683-G-A.
Other names: c.281G>A, p.Cys94Tyr (NM_001134670.2); short protein forms C94Y, C257Y.
Identifiers: ClinVar variation 1485288 (VCV001485288.8), dbSNP rs2135723890, ClinGen allele CA377981322.
Genomic context (GRCh38, chr10:97,601,926, plus strand): 5'-GGGGCGTCTGCGCCCTGGCCAATGTCCTGGGGGCTCAGGTGTGCCAGCTGGAGCGACTGT[G>A]CTGCACGGGGCAATGGGAAGATGCCCAGAAACTGCAGCACCGCCTCATTGAGCCAAACGC-3'
Protein context (NP_612422.2, residues 247-267): GAQVCQLERL[Cys257Tyr]CTGQWEDAQK

ClinVar aggregate classification (germline): Likely pathogenic (1 of 4 stars; one submission).

Submission:

Labcorp Genetics (formerly Invitae), Labcorp
Classification: Likely pathogenic. Last evaluated: 2023-05-11. Review status: criteria provided, single submitter. Criteria: Invitae Variant Classification Sherloc (09022015). Collection method: clinical testing. Allele origin: germline.
Comment: In summary, the currently available evidence indicates that the variant is pathogenic, but additional data are needed to prove that conclusively. Therefore, this variant has been classified as Likely Pathogenic. This variant disrupts the p.Cys257 amino acid residue in HOGA1. Other variant(s) that disrupt this residue have been determined to be pathogenic (PMID: 20797690, 22771891, 25972204, 30488096). This suggests that this residue is clinically significant, and that variants that disrupt this residue are likely to be disease-causing. Advanced modeling of protein sequence and biophysical properties (such as structural, functional, and spatial information, amino acid conservation, physicochemical variation, residue mobility, and thermodynamic stability) has been performed at Invitae for this missense variant, however the output from this modeling did not meet the statistical confidence thresholds required to predict the impact of this variant on HOGA1 protein function. ClinVar contains an entry for this variant (Variation ID: 1485288). This variant has not been reported in the literature in individuals affected with HOGA1-related conditions. This variant is not present in population databases (gnomAD no frequency). This sequence change replaces cysteine, which is neutral and slightly polar, with tyrosine, which is neutral and polar, at codon 257 of the HOGA1 protein (p.Cys257Tyr).

Literature cited by the submitters: PubMed 20797690; PubMed 22771891; PubMed 25972204; PubMed 30488096.